The following is an entry in ClinVar:

NM_000548.5(TSC2):c.2503G>T (p.Ala835Ser)

Gene: TSC2 (TSC complex subunit 2; plus strand). Cytogenetic location: 16p13.3.
Variant type: single nucleotide variant.
Coding change: c.2503G>T on transcript NM_000548.5 (MANE Select); coding-DNA position 2503, G replaced by T.
Protein change: p.Ala835Ser; replaces alanine 835 with serine.
Molecular consequence: missense variant.
Genome position (GRCh38, 1-based): chr16:2,074,347, G>T. VCF-style: chr16-2074347-G-T. GRCh37 (hg19) VCF-style: chr16-2124348-G-T.
Other names: c.2503G>T, p.Ala835Ser (NM_001077183.3, NM_001114382.3, NM_001363528.2 and 3 more transcripts); c.2392G>T, p.Ala798Ser (NM_001318827.2); c.2356G>T, p.Ala786Ser (NM_001318829.2); c.1903G>T, p.Ala635Ser (NM_001318831.2); c.2536G>T, p.Ala846Ser (NM_001318832.2); short protein forms A835S, A635S, A786S, A798S, A846S.
Identifiers: ClinVar variation 1359040 (VCV001359040.8), dbSNP rs2151354761, ClinGen allele CA394277847.

ClinVar aggregate classification (germline): Uncertain significance (1 of 4 stars; one submission).

Conditions:
Tuberous sclerosis 2 (TSC2). Identifiers: Orphanet 805, MedGen C1860707, MONDO:0013199, OMIM 613254.

Submission:

Labcorp Genetics (formerly Invitae), Labcorp
Classification: Uncertain significance for Tuberous sclerosis 2. Last evaluated: 2021-06-05. Review status: criteria provided, single submitter. Criteria: Invitae Variant Classification Sherloc (09022015). Collection method: clinical testing. Allele origin: germline.
Comment: This sequence change replaces alanine with serine at codon 835 of the TSC2 protein (p.Ala835Ser). The alanine residue is highly conserved and there is a moderate physicochemical difference between alanine and serine. This variant is not present in population databases (ExAC no frequency). This variant has not been reported in the literature in individuals with TSC2-related conditions. Advanced modeling of protein sequence and biophysical properties (such as structural, functional, and spatial information, amino acid conservation, physicochemical variation, residue mobility, and thermodynamic stability) performed at Invitae indicates that this missense variant is not expected to disrupt TSC2 protein function. In summary, the available evidence is currently insufficient to determine the role of this variant in disease. Therefore, it has been classified as a Variant of Uncertain Significance.